The following is an entry in ClinVar:

NM_133433.4(NIPBL):c.3384T>G (p.His1128Gln)

Gene: NIPBL (NIPBL cohesin loading factor; plus strand). Cytogenetic location: 5p13.2.
Variant type: single nucleotide variant.
Coding change: c.3384T>G on transcript NM_133433.4 (MANE Select); coding-DNA position 3384, T replaced by G.
Protein change: p.His1128Gln; replaces histidine 1128 with glutamine.
Molecular consequence: missense variant.
Genome position (GRCh38, 1-based): chr5:37,000,452, T>G. VCF-style: chr5-37000452-T-G. GRCh37 (hg19) VCF-style: chr5-37000554-T-G.
Other names: c.3384T>G, p.His1128Gln (NM_015384.5); short protein forms H1128Q.
Identifiers: ClinVar variation 4056665 (VCV004056665.2).

ClinVar aggregate classification (germline): Uncertain significance. Review status: criteria provided, multiple submitters, no conflicts (2 of 4 stars). 2 submissions from 2 submitters: Uncertain significance (2). Last evaluated 2026-02-13.

Conditions:
Cornelia de Lange syndrome 1 (CDLS1). Also called: TYPUS DEGENERATIVUS AMSTELODAMENSIS; Brachmann de Lange syndrome; NIPBL-Related Cornelia de Lange Syndrome. Identifiers: Orphanet 199, MedGen C4551851, MONDO:0007387, OMIM 122470.

Submissions (2):

OLLIN Analises Genomicas, OLLIN
Classification: Uncertain significance for Cornelia de Lange syndrome 1. Last evaluated: 2026-02-13. Review status: criteria provided, single submitter. Criteria: ACMG Guidelines 2015 PMID 25741868. Collection method: clinical testing. Allele origin: germline. Observed: 1 variant allele.
Comment: PM2_P, PP2

Laboratorio de Genetica e Diagnostico Molecular, Hospital Israelita Albert Einstein
Classification: Uncertain significance for Cornelia de Lange syndrome 1. Last evaluated: 2023-08-25. Review status: criteria provided, single submitter. Criteria: ACMG Guidelines, 2015. Collection method: clinical testing. Allele origin: germline. Affected: yes.
Comment: ACMG classification criteria: PM2 moderate, PP2 supporting